The following is an entry in ClinVar:

NM_024915.4(GRHL2):c.914G>T (p.Ser305Ile)

Gene: GRHL2 (grainyhead like transcription factor 2; plus strand). Cytogenetic location: 8q22.3.
Variant type: single nucleotide variant.
Coding change: c.914G>T on transcript NM_024915.4 (MANE Select); coding-DNA position 914, G replaced by T.
Protein change: p.Ser305Ile; replaces serine 305 with isoleucine.
Molecular consequence: missense variant.
Genome position (GRCh38, 1-based): chr8:101,577,430, G>T. VCF-style: chr8-101577430-G-T. GRCh37 (hg19) VCF-style: chr8-102589658-G-T.
Other names: c.866G>T, p.Ser289Ile (NM_001330593.2); short protein forms S289I, S305I.
Identifiers: ClinVar variation 2506691 (VCV002506691.1), dbSNP rs376663921, ClinGen allele CA371645044.
Genomic context (GRCh38, chr8:101,577,430, plus strand): 5'-TGAACAAAAAGTAAGCTCCACGATTCTCCCCTCTGCAGAGTGTGGTGATGGTGGTCTTCA[G>T]TGAAGACAAAAACAGAGATGAACAGCTCAAATACTGGAAATACTGGCACTCTCGGCAGCA-3'
Protein context (NP_079191.2, residues 295-315): KVRSVVMVVF[Ser305Ile]EDKNRDEQLK

ClinVar aggregate classification (germline): Uncertain significance (1 of 4 stars; one submission).

Submission:

GeneDx
Classification: Uncertain significance. Last evaluated: 2022-12-20. Review status: criteria provided, single submitter. Criteria: GeneDx Variant Classification Process June 2021. Collection method: clinical testing. Allele origin: germline. Affected: yes.
Comment: Not observed at significant frequency in large population cohorts (gnomAD); In silico analysis supports that this missense variant has a deleterious effect on protein structure/function; Has not been previously published as pathogenic or benign to our knowledge